The following is an entry in ClinVar:

ClinVar aggregate classification (germline): Uncertain significance (1 of 4 stars; one submission).

Conditions:
MEPE-related disorder. Also called: MEPE-related condition.

gnomAD v4.1: 7 of 1,612,790 alleles (0.00043%); highest among the groups gnomAD compares: African/African-American, 0.0054%; no homozygotes.

Submission:

PreventionGenetics, part of Exact Sciences
Classification: Uncertain significance for MEPE-related condition. Last evaluated: 2024-12-19. Review status: criteria provided, single submitter. Criteria: ACMG Guidelines, 2015. Collection method: clinical testing. Allele origin: germline.
Comment: The MEPE c.748A>G variant is predicted to result in the amino acid substitution p.Asn250Asp. To our knowledge, this variant has not been reported in the literature. This variant is reported in 0.0080% of alleles in individuals of African descent in gnomAD. At this time, the clinical significance of this variant is uncertain due to the absence of conclusive functional and genetic evidence.

NM_020203.6(MEPE):c.655A>G (p.Asn219Asp)

Genes: MEPE (matrix extracellular phosphoglycoprotein; plus strand), MEPE-AS1 (MEPE and IBSP antisense RNA 1; minus strand). Cytogenetic location: 4q22.1.
Variant type: single nucleotide variant.
Coding change: c.655A>G on transcript NM_020203.6 (MANE Select); coding-DNA position 655, A replaced by G.
Protein change: p.Asn219Asp; replaces asparagine 219 with aspartic acid.
Molecular consequence: missense variant.
Genome position (GRCh38, 1-based): chr4:87,845,523, A>G. VCF-style: chr4-87845523-A-G. GRCh37 (hg19) VCF-style: chr4-88766675-A-G.
Other names: c.655A>G, p.Asn219Asp (NM_001184694.3); c.316A>G, p.Asn106Asp (NM_001184695.4, NM_001184696.2, NM_001184697.2); c.748A>G, p.Asn250Asp (NM_001291183.2); short protein forms N250D, N219D, N106D.
Identifiers: ClinVar variation 4982262 (VCV004982262.1).
Genomic context (GRCh38, chr4:87,845,523, plus strand): 5'-AGAGATTCCCAAGCCCAGAAAAGTCCAGTAAAAAGCAAAAGCACCCATCGTATTCAACAC[A>G]ACATTGACTACCTAAAACATCTCTCAAAAGTCAAAAAAATCCCCAGTGATTTTGAAGGCA-3'
Protein context (NP_064588.1, residues 209-229): KSKSTHRIQH[Asn219Asp]IDYLKHLSKV